The following is an entry in ClinVar:

NM_000391.4(TPP1):c.800_810del (p.Gly267fs)

Gene: TPP1 (tripeptidyl peptidase 1; minus strand). Cytogenetic location: 11p15.4.
Variant type: Deletion.
Coding change: c.800_810del on transcript NM_000391.4 (MANE Select); coding-DNA positions 800 to 810, 11 bases deleted (GCCGGGCCGGG).
Protein change: p.Gly267fs; shifts the reading frame from glycine 267.
Molecular consequence: frameshift variant.
Genome position (GRCh38, 1-based): chr11:6,616,737-6,616,747, CCCGGCCCGGC deleted on the plus strand (GCCGGGCCGGG on the coding strand, the reverse complement: TPP1 is on the minus strand); deleting any 11 consecutive bases within chr11:6,616,737-6,616,755 gives the same sequence; the c. name uses the placement nearest the transcript's 3' end. VCF-style (leftmost placement, unchanged base first): chr11-6616736-TCCCGGCCCGGC-T. GRCh37 (hg19) VCF-style: chr11-6637967-TCCCGGCCCGGC-T.
Other names: short protein forms G267fs.
Identifiers: ClinVar variation 5012543 (VCV005012543.1).

ClinVar aggregate classification (germline): Pathogenic (1 of 4 stars; one submission).

Conditions:
Neuronal ceroid lipofuscinosis 2. Also called: TPP1-Related Neuronal Ceroid-Lipofuscinosis; JANSKY-BIELSCHOWSKY DISEASE NEURONAL CEROID LIPOFUSCINOSIS, LATE INFANTILE. Identifiers: Orphanet 168491, Orphanet 228349, Orphanet 79264, MedGen C1876161, MONDO:0008769, OMIM 204500.

Submission:

Myriad Genetics, Inc.
Classification: Pathogenic for Neuronal ceroid lipofuscinosis 2. Last evaluated: 2023-12-06. Review status: criteria provided, single submitter. Criteria: Myriad Autosomal Dominant, Autosomal Recessive and X-Linked Classification Criteria (2023). Collection method: clinical testing. Allele origin: unknown.
Comment: NM_000391.3(TPP1):c.800_810del11(G267Dfs*2) is expected to be pathogenic in the context of TPP1-related neuronal ceroid lipofuscinosis. This variant is predicted to lead to an abnormal or absent protein product due to the creation of a premature termination codon in TPP1, a gene where loss-of-function variants are known to be pathogenic. Please note: this variant was assessed in the context of healthy population screening.